The following is an entry in ClinVar:

ClinVar aggregate classification (germline): Uncertain significance (1 of 4 stars; one submission).

Conditions:
Familial cancer of breast. Also called: Hereditary breast cancer; BREAST CANCER, FAMILIAL; hereditary breast carcinoma. Identifiers: Orphanet 227535, MedGen C0346153, MONDO:0016419, OMIM 114480. Disease mechanism: loss of function.

Submission:

Labcorp Genetics (formerly Invitae), Labcorp
Classification: Uncertain significance for Familial cancer of breast. Last evaluated: 2024-04-22. Review status: criteria provided, single submitter. Criteria: Invitae Variant Classification Sherloc (09022015). Collection method: clinical testing. Allele origin: germline.
Comment: This sequence change replaces glycine, which is neutral and non-polar, with alanine, which is neutral and non-polar, at codon 229 of the CHEK2 protein (p.Gly229Ala). This variant is not present in population databases (gnomAD no frequency). This variant has not been reported in the literature in individuals affected with CHEK2-related conditions. ClinVar contains an entry for this variant (Variation ID: 216649). An algorithm developed to predict the effect of missense changes on protein structure and function (PolyPhen-2) suggests that this variant is likely to be disruptive. In summary, the available evidence is currently insufficient to determine the role of this variant in disease. Therefore, it has been classified as a Variant of Uncertain Significance.

NM_007194.4(CHEK2):c.686G>C (p.Gly229Ala)

Gene: CHEK2 (checkpoint kinase 2; minus strand). Cytogenetic location: 22q12.1.
Variant type: single nucleotide variant.
Coding change: c.686G>C on transcript NM_007194.4 (MANE Select); coding-DNA position 686, G replaced by C.
Protein change: p.Gly229Ala; replaces glycine 229 with alanine.
Molecular consequence: missense variant.
Genome position (GRCh38, 1-based): chr22:28,712,015, C>G on the plus strand (G>C on the coding strand, the complement: CHEK2 is on the minus strand). VCF-style: chr22-28712015-C-G. GRCh37 (hg19) VCF-style: chr22-29108003-C-G.
Other names: c.815G>C, p.Gly272Ala (NM_001005735.3); c.23G>C, p.Gly8Ala (NM_001257387.3); c.485G>C, p.Gly162Ala (NM_001349956.3); c.686G>C, p.Gly229Ala (NM_145862.3); short protein forms G229A, G162A, G272A, G8A.
Identifiers: ClinVar variation 216649 (VCV000216649.8), dbSNP rs778212685, ClinGen allele CA338057.